The following is an entry in ClinVar:

NM_025215.6(PUS1):c.98C>G (p.Ala33Gly)

Genes: PUS1 (pseudouridine synthase 1; plus strand), LOC130009240 (ATAC-STARR-seq lymphoblastoid silent region 5107; plus strand). Cytogenetic location: 12q24.33.
Variant type: single nucleotide variant.
Coding change: c.98C>G on transcript NM_025215.6 (MANE Select); coding-DNA position 98, C replaced by G.
Protein change: p.Ala33Gly; replaces alanine 33 with glycine.
Molecular consequence: missense variant.
Genome position (GRCh38, 1-based): chr12:131,929,930, C>G. VCF-style: chr12-131929930-C-G. GRCh37 (hg19) VCF-style: chr12-132414475-C-G.
Other names: c.14C>G, p.Ala5Gly (NM_001002019.3, NM_001002020.3); short protein forms A5G, A33G.
Identifiers: ClinVar variation 1970109 (VCV001970109.2), dbSNP rs2541388868, ClinGen allele CA387297129.

ClinVar aggregate classification (germline): Uncertain significance (1 of 4 stars; one submission).

Submission:

Labcorp Genetics (formerly Invitae), Labcorp
Classification: Uncertain significance. Last evaluated: 2022-04-11. Review status: criteria provided, single submitter. Criteria: Invitae Variant Classification Sherloc (09022015). Collection method: clinical testing. Allele origin: germline.
Comment: This sequence change replaces alanine, which is neutral and non-polar, with glycine, which is neutral and non-polar, at codon 33 of the PUS1 protein (p.Ala33Gly). This variant is not present in population databases (gnomAD no frequency). This variant has not been reported in the literature in individuals affected with PUS1-related conditions. Algorithms developed to predict the effect of missense changes on protein structure and function output the following: SIFT: "Tolerated"; PolyPhen-2: "Benign"; Align-GVGD: "Class C0". The glycine amino acid residue is found in multiple mammalian species, which suggests that this missense change does not adversely affect protein function. In summary, the available evidence is currently insufficient to determine the role of this variant in disease. Therefore, it has been classified as a Variant of Uncertain Significance.